The following is an entry in ClinVar:

NM_005612.5(REST):c.1240A>G (p.Thr414Ala)

Gene: REST (RE1 silencing transcription factor; plus strand). Cytogenetic location: 4q12.
Variant type: single nucleotide variant.
Coding change: c.1240A>G on transcript NM_005612.5 (MANE Select); coding-DNA position 1240, A replaced by G.
Protein change: p.Thr414Ala; replaces threonine 414 with alanine.
Molecular consequence: missense variant.
Genome position (GRCh38, 1-based): chr4:56,930,098, A>G. VCF-style: chr4-56930098-A-G. GRCh37 (hg19) VCF-style: chr4-57796264-A-G.
Other names: c.1240A>G, p.Thr414Ala (NM_001193508.2, NM_001363453.3); short protein forms T414A.
Identifiers: ClinVar variation 2193325 (VCV002193325.5), dbSNP rs1029140562, ClinGen allele CA97636329.

ClinVar aggregate classification (germline): Uncertain significance. Review status: criteria provided, multiple submitters, no conflicts (2 of 4 stars). 2 submissions from 2 submitters: Uncertain significance (2). Last evaluated 2022-06-09.

Conditions:
Inborn genetic diseases. Identifiers: MedGen C0950123, MeSH D030342.

Allele frequency attached by ClinVar (database versions not stated): gnomAD exomes below 0.00001; TOPMed below 0.00001.
gnomAD v4.1: 3 of 1,613,966 alleles (0.00019%); highest among the groups gnomAD compares: African/African-American, 0.0027%; no homozygotes.

Submissions (2):

Labcorp Genetics (formerly Invitae), Labcorp
Classification: Uncertain significance. Last evaluated: 2022-06-09. Review status: criteria provided, single submitter. Criteria: Invitae Variant Classification Sherloc (09022015). Collection method: clinical testing. Allele origin: germline.
Comment: Algorithms developed to predict the effect of missense changes on protein structure and function are either unavailable or do not agree on the potential impact of this missense change (SIFT: "Tolerated"; PolyPhen-2: "Possibly Damaging"; Align-GVGD: "Class C0"). In summary, the available evidence is currently insufficient to determine the role of this variant in disease. Therefore, it has been classified as a Variant of Uncertain Significance. This variant has not been reported in the literature in individuals affected with REST-related conditions. This variant is present in population databases (no rsID available, gnomAD 0.006%). This sequence change replaces threonine, which is neutral and polar, with alanine, which is neutral and non-polar, at codon 414 of the REST protein (p.Thr414Ala).

Ambry Genetics
Classification: Uncertain significance for Inborn genetic diseases. Last evaluated: 2022-02-03. Review status: criteria provided, single submitter. Criteria: Ambry Variant Classification Scheme 2023. Collection method: clinical testing. Allele origin: germline.